The following is an entry in ClinVar:

NM_000318.3(PEX2):c.742G>A (p.Gly248Arg)

Gene: PEX2 (peroxisomal biogenesis factor 2; minus strand). Cytogenetic location: 8q21.13.
Variant type: single nucleotide variant.
Coding change: c.742G>A on transcript NM_000318.3 (MANE Select); coding-DNA position 742, G replaced by A.
Protein change: p.Gly248Arg; replaces glycine 248 with arginine.
Molecular consequence: missense variant.
Genome position (GRCh38, 1-based): chr8:76,983,437, C>T on the plus strand (G>A on the coding strand, the complement: PEX2 is on the minus strand). VCF-style: chr8-76983437-C-T. GRCh37 (hg19) VCF-style: chr8-77895673-C-T.
Other names: c.742G>A, p.Gly248Arg (NM_001079867.2, NM_001172086.2, NM_001172087.2); short protein forms G248R.
Identifiers: ClinVar variation 968036 (VCV000968036.8), dbSNP rs1277419329, ClinGen allele CA371556682.

ClinVar aggregate classification (germline): Uncertain significance. Review status: criteria provided, multiple submitters, no conflicts (2 of 4 stars). 3 submissions from 3 submitters: Uncertain significance (2). 1 of the submissions does not count toward it. Last evaluated 2022-06-30.

Conditions:
Zellweger spectrum disorders (ZS). Also called: Zellweger Spectrum Disorder; Zellweger Spectrum; Zellweger syndrome; Zellweger Spectrum Disorder (ZSD). Identifiers: Orphanet 912, MedGen C0043459, MONDO:0019609.
Inborn genetic diseases. Identifiers: MedGen C0950123, MeSH D030342.
Peroxisome biogenesis disorder 5A (Zellweger) (PBD5A). Identifiers: Orphanet 912, MedGen C3553940, MONDO:0013932, OMIM 614866.

Allele frequency attached by ClinVar (database versions not stated): gnomAD exomes below 0.00001; TOPMed below 0.00001; gnomAD 0.00001.
gnomAD v4.1: 3 of 1,613,994 alleles (0.00019%); highest among the groups gnomAD compares: African/African-American, 0.004%; no homozygotes.

Submissions (3):

Ambry Genetics
Classification: Uncertain significance for Inborn genetic diseases. Last evaluated: 2022-06-30. Review status: criteria provided, single submitter. Criteria: Ambry Variant Classification Scheme 2023. Collection method: clinical testing. Allele origin: germline.

Labcorp Genetics (formerly Invitae), Labcorp
Classification: Uncertain significance for Peroxisome biogenesis disorder 5A (Zellweger). Last evaluated: 2022-03-11. Review status: criteria provided, single submitter. Criteria: Invitae Variant Classification Sherloc (09022015). Collection method: clinical testing. Allele origin: germline.
Comment: This sequence change replaces glycine, which is neutral and non-polar, with arginine, which is basic and polar, at codon 248 of the PEX2 protein (p.Gly248Arg). This variant is present in population databases (no rsID available, gnomAD 0.01%). This variant has not been reported in the literature in individuals affected with PEX2-related conditions. ClinVar contains an entry for this variant (Variation ID: 968036). Algorithms developed to predict the effect of missense changes on protein structure and function are either unavailable or do not agree on the potential impact of this missense change (SIFT: "Deleterious"; PolyPhen-2: "Probably Damaging"; Align-GVGD: "Class C15"). Algorithms developed to predict the effect of sequence changes on RNA splicing suggest that this variant may create or strengthen a splice site. In summary, the available evidence is currently insufficient to determine the role of this variant in disease. Therefore, it has been classified as a Variant of Uncertain Significance.

Natera, Inc.
Classification: Uncertain significance for Zellweger syndrome. Last evaluated: 2020-11-14. Review status: no assertion criteria provided. Collection method: clinical testing. Allele origin: germline. Not counted in ClinVar's aggregate classification.